The following is an entry in ClinVar:

ClinVar aggregate classification (germline): Uncertain significance (1 of 4 stars; one submission).

Allele frequency attached by ClinVar (database versions not stated): TOPMed below 0.00001; gnomAD 0.00001; gnomAD exomes 0.00001.

Submission:

Labcorp Genetics (formerly Invitae), Labcorp
Classification: Uncertain significance. Last evaluated: 2022-07-21. Review status: criteria provided, single submitter. Criteria: Invitae Variant Classification Sherloc (09022015). Collection method: clinical testing. Allele origin: germline.
Comment: This sequence change affects codon 984 of the WHSC1 mRNA. It is a 'silent' change, meaning that it does not change the encoded amino acid sequence of the WHSC1 protein. In summary, the available evidence is currently insufficient to determine the role of this variant in disease. Therefore, it has been classified as a Variant of Uncertain Significance. Algorithms developed to predict the effect of sequence changes on RNA splicing suggest that this variant may create or strengthen a splice site. This variant has not been reported in the literature in individuals affected with WHSC1-related conditions. This variant is present in population databases (no rsID available, gnomAD 0.0009%).

NM_001042424.3(NSD2):c.2952C>T (p.Ser984=)

Gene: NSD2 (nuclear receptor binding SET domain protein 2; plus strand). Cytogenetic location: 4p16.3.
Variant type: single nucleotide variant.
Coding change: c.2952C>T on transcript NM_001042424.3 (MANE Select); coding-DNA position 2952, C replaced by T.
Protein change: p.Ser984=; no amino-acid change (serine 984 retained).
Molecular consequence: synonymous variant.
Genome position (GRCh38, 1-based): chr4:1,958,003, C>T. VCF-style: chr4-1958003-C-T. GRCh37 (hg19) VCF-style: chr4-1959730-C-T.
Other names: c.2952C>T, p.Ser984= (NM_133330.3, NM_133331.3, NM_133335.4).
Identifiers: ClinVar variation 1933883 (VCV001933883.5), dbSNP rs1182781016, ClinGen allele CA438072066.